The following is an entry in ClinVar:

NM_001372044.2(SHANK3):c.4690G>T (p.Asp1564Tyr)

Gene: SHANK3 (SH3 and multiple ankyrin repeat domains 3; plus strand). Cytogenetic location: 22q13.33.
Variant type: single nucleotide variant.
Coding change: c.4690G>T on transcript NM_001372044.2 (MANE Select); coding-DNA position 4690, G replaced by T.
Protein change: p.Asp1564Tyr; replaces aspartic acid 1564 with tyrosine.
Molecular consequence: missense variant.
Genome position (GRCh38, 1-based): chr22:50,722,298, G>T. VCF-style: chr22-50722298-G-T. GRCh37 (hg19) VCF-style: chr22-51160726-G-T.
Other names: c.4465G>T (NM_033517.1); short protein forms D1564Y.
Identifiers: ClinVar variation 975999 (VCV000975999.2), dbSNP rs373588048, ClinGen allele CA515265078.
Genomic context (GRCh38, chr22:50,722,298, plus strand): 5'-AGAAGGTCCAAGCTATGGGGGGACCCCGTGGAGAGCCGGGGGCTCCCTGGGCCTGAAGAC[G>T]ACAAACCAACTGTGATCAGTGAGCTCAGCTCCCGCCTGCAGCAGCTGAACAAGGACACGC-3'
Protein context (NP_001358973.1, residues 1554-1574): ESRGLPGPED[Asp1564Tyr]KPTVISELSS

ClinVar aggregate classification (germline): Pathogenic. Review status: criteria provided, multiple submitters, no conflicts (2 of 4 stars). 2 submissions from 2 submitters: Pathogenic (2). Last evaluated 2025-06-26.

Conditions:
Phelan-McDermid syndrome. Also called: Phelan-McDermid Syndrome-SHANK3 Related; TELOMERIC 22q13 MONOSOMY SYNDROME; 22q13.3 deletion syndrome. Identifiers: Orphanet 48652, MedGen C1853490, MONDO:0011652, OMIM 606232.

Submissions (2):

Variantyx, Inc.
Classification: Pathogenic for Phelan-McDermid syndrome. Last evaluated: 2025-06-26. Review status: criteria provided, single submitter. Criteria: Variantyx Assertion Criteria 2022. Collection method: clinical testing. Allele origin: de novo. Inheritance: Autosomal dominant inheritance. Affected: yes.
Comment: This is a nonsense variant in the SHANK3 gene (OMIM: 606230). Pathogenic variants in this gene have been associated with autosomal dominant Phelan-McDermid syndrome . The alteration introduces a premature termination codon in exon 22 out of 23 and is expected to result in loss of function, which is a known disease mechanism for SHANK3 in this disorder (PMID: 23758760, 21984749, 21779178) (PVS1). This variant is absent from control populations (PM2), and it has not been reported in individuals with SHANK3-related disorders in the databases available for review. Based on the current evidence, this variant is classified as pathogenic for autosomal dominant Phelan-McDermid Syndrome .

Institute of Human Genetics, University of Leipzig Medical Center
Classification: Pathogenic for Phelan-McDermid syndrome. Last evaluated: 2020-02-14. Review status: criteria provided, single submitter. Criteria: ACMG Guidelines, 2015. Collection method: clinical testing. Allele origin: germline. Affected: yes. Observed: 1 variant allele.
Comment: This variant was identified as de novo (maternity and paternity confirmed).

Literature cited by the submitters: PubMed 23758760 (cited by Variantyx, Inc.); PubMed 21984749 (cited by Variantyx, Inc.); PubMed 21779178 (cited by Variantyx, Inc.).